The following is an entry in ClinVar:

ClinVar aggregate classification (germline): Uncertain significance. Review status: criteria provided, multiple submitters, no conflicts (2 of 4 stars). 3 submissions from 3 submitters: Uncertain significance (3). Last evaluated 2024-02-29.

Conditions:
Tuberous sclerosis 2 (TSC2). Identifiers: Orphanet 805, MedGen C1860707, MONDO:0013199, OMIM 613254.
Hereditary cancer-predisposing syndrome. Also called: Hereditary neoplastic syndrome; Neoplastic Syndromes, Hereditary; Tumor predisposition; Hereditary Cancer Syndrome. Identifiers: Orphanet 140162, MedGen C0027672, MeSH D009386, MONDO:0015356.
Isolated focal cortical dysplasia type II (FCORD2). Also called: CORTICAL DYSPLASIA OF TAYLOR; Focal cortical dysplasia type II. Identifiers: Orphanet 268994, MedGen C1846385, MONDO:0011818, OMIM 607341, HP:0032051.

Allele frequency attached by ClinVar (database versions not stated): gnomAD 0.00001.
gnomAD v4.1: 3 of 1,612,666 alleles (0.00019%); highest among the groups gnomAD compares: Non-Finnish European, 0.00017%; no homozygotes.

Submissions (3):

Baylor Genetics
Classification: Uncertain significance for Isolated focal cortical dysplasia type II. Last evaluated: 2024-02-29. Review status: criteria provided, single submitter. Criteria: ACMG Guidelines, 2015. Collection method: clinical testing. Allele origin: unknown.

Labcorp Genetics (formerly Invitae), Labcorp
Classification: Uncertain significance for Tuberous sclerosis 2. Last evaluated: 2024-02-23. Review status: criteria provided, single submitter. Criteria: Invitae Variant Classification Sherloc (09022015). Collection method: clinical testing. Allele origin: germline.
Comment: This sequence change replaces aspartic acid, which is acidic and polar, with tyrosine, which is neutral and polar, at codon 1696 of the TSC2 protein (p.Asp1696Tyr). This variant is not present in population databases (gnomAD no frequency). This variant has not been reported in the literature in individuals affected with TSC2-related conditions. ClinVar contains an entry for this variant (Variation ID: 468137). Advanced modeling of protein sequence and biophysical properties (such as structural, functional, and spatial information, amino acid conservation, physicochemical variation, residue mobility, and thermodynamic stability) performed at Invitae indicates that this missense variant is not expected to disrupt TSC2 protein function with a negative predictive value of 95%. In summary, the available evidence is currently insufficient to determine the role of this variant in disease. Therefore, it has been classified as a Variant of Uncertain Significance.

Ambry Genetics
Classification: Uncertain significance for Hereditary cancer-predisposing syndrome. Last evaluated: 2022-11-11. Review status: criteria provided, single submitter. Criteria: Ambry Variant Classification Scheme 2023. Collection method: clinical testing. Allele origin: germline.
Comment: The p.D1696Y variant (also known as c.5086G>T), located in coding exon 39 of the TSC2 gene, results from a G to T substitution at nucleotide position 5086. The aspartic acid at codon 1696 is replaced by tyrosine, an amino acid with highly dissimilar properties. This amino acid position is conserved. In addition, this alteration is predicted to be deleterious by in silico analysis. Since supporting evidence is limited at this time, the clinical significance of this alteration remains unclear.

NM_000548.5(TSC2):c.5086G>T (p.Asp1696Tyr)

Gene: TSC2 (TSC complex subunit 2; plus strand). Cytogenetic location: 16p13.3.
Variant type: single nucleotide variant.
Coding change: c.5086G>T on transcript NM_000548.5 (MANE Select); coding-DNA position 5086, G replaced by T.
Protein change: p.Asp1696Tyr; replaces aspartic acid 1696 with tyrosine.
Molecular consequence: missense variant.
Genome position (GRCh38, 1-based): chr16:2,088,065, G>T. VCF-style: chr16-2088065-G-T. GRCh37 (hg19) VCF-style: chr16-2138066-G-T.
Other names: c.4354G>T, p.Asp1452Tyr (NM_001318831.2); c.4918G>T, p.Asp1640Tyr (NM_001318832.2); c.4888G>T, p.Asp1630Tyr (NM_001363528.2); c.4954G>T, p.Asp1652Tyr (NM_001370404.1); c.4957G>T, p.Asp1653Tyr (NM_001370405.1, NM_021055.3); c.4885G>T, p.Asp1629Tyr (NM_001077183.3); c.5017G>T, p.Asp1673Tyr (NM_001114382.3); c.4777G>T, p.Asp1593Tyr (NM_001318827.2); and 1 more; short protein forms D1696Y, D1593Y, D1629Y, D1630Y, D1652Y, D1653Y, D1673Y, D1640Y.
Identifiers: ClinVar variation 468137 (VCV000468137.11), dbSNP rs1555440048, ClinGen allele CA394312051.